The following is an entry in ClinVar:

NM_033305.3(VPS13A):c.2124A>G (p.Ser708=)

Gene: VPS13A (vacuolar protein sorting 13 homolog A; plus strand). Cytogenetic location: 9q21.2.
Variant type: single nucleotide variant.
Coding change: c.2124A>G on transcript NM_033305.3 (MANE Select); coding-DNA position 2124, A replaced by G.
Protein change: p.Ser708=; no amino-acid change (serine 708 retained).
Molecular consequence: synonymous variant.
Genome position (GRCh38, 1-based): chr9:77,250,183, A>G. VCF-style: chr9-77250183-A-G. GRCh37 (hg19) VCF-style: chr9-79865099-A-G.
Other names: c.2124A>G, p.Ser708= (NM_001018037.2, NM_001018038.3, NM_015186.4).
Identifiers: ClinVar variation 367361 (VCV000367361.23), dbSNP rs199682779, ClinGen allele CA5091857.

ClinVar aggregate classification (germline): Benign/Likely benign. Review status: criteria provided, multiple submitters, no conflicts (2 of 4 stars). 6 submissions from 6 submitters: Benign (2); Likely benign (3). 1 of the submissions does not count toward it. Last evaluated 2026-04-01.

Conditions:
VPS13A-related neurodegenerative disease. Also called: VPS13A Disease; Choreaacanthocytosis; Choreoacanthocytosis; Chorea-acanthocytosis; ACANTHOCYTOSIS WITH NEUROLOGIC DISORDER; LEVINE-CRITCHLEY SYNDROME. Identifiers: Orphanet 2388, MedGen C0393576, MONDO:0008695, OMIM 200150.

Allele frequency attached by ClinVar (database versions not stated): gnomAD exomes 0.00016 and 0.00068; gnomAD 0.00029 and 0.00039; TOPMed 0.00037; ExAC 0.00064; 1000 Genomes Project 0.00180; 1000 Genomes Project 30x 0.00219.
gnomAD v4.1: 310 of 1,613,898 alleles (0.019%); highest among the groups gnomAD compares: East Asian, 0.5%; 2 homozygotes.

Submissions (6):

CeGaT Center for Human Genetics Tuebingen
Classification: Likely benign. Last evaluated: 2026-04-01. Review status: criteria provided, single submitter. Criteria: CeGaT Center For Human Genetics Tuebingen Variant Classification Criteria Version 2. Collection method: clinical testing. Allele origin: germline. Affected: yes. Observed: 2 variant alleles.
Comment: VPS13A: BP4, BP7

Labcorp Genetics (formerly Invitae), Labcorp
Classification: Benign. Last evaluated: 2026-01-28. Review status: criteria provided, single submitter. Criteria: Invitae Variant Classification Sherloc (09022015). Collection method: clinical testing. Allele origin: germline.

Blueprint Genetics
Classification: Likely benign. Last evaluated: 2024-10-16. Review status: criteria provided, single submitter. Criteria: ACMG Guidelines, 2015. Collection method: clinical testing. Allele origin: germline.

ARUP Laboratories, Molecular Genetics and Genomics, ARUP Laboratories
Classification: Benign for VPS13A-related neurodegenerative disease. Last evaluated: 2024-05-14. Review status: criteria provided, single submitter. Criteria: ARUP Molecular Germline Variant Investigation Process 2024. Collection method: clinical testing. Allele origin: germline.

Illumina Laboratory Services, Illumina
Classification: Likely benign for VPS13A-related neurodegenerative disease. Last evaluated: 2018-01-12. Review status: criteria provided, single submitter. Criteria: ICSL Variant Classification Criteria 13 December 2019. Collection method: clinical testing. Allele origin: germline.
Comment: This variant was observed in the ICSL laboratory as part of a predisposition screen in an ostensibly healthy population. It had not been previously curated by ICSL or reported in the Human Gene Mutation Database (HGMD: prior to June 1st, 2018), and was therefore a candidate for classification through an automated scoring system. Utilizing variant allele frequency, disease prevalence and penetrance estimates, and inheritance mode, an automated score was calculated to assess if this variant is too frequent to cause the disease. Based on the score and internal cut-off values, a variant classified as likely benign is not then subjected to further curation. The score for this variant resulted in a classification of likely benign for this disease.

Natera, Inc.
Classification: Benign for Choreaacanthocytosis. Last evaluated: 2019-11-11. Review status: no assertion criteria provided. Collection method: clinical testing. Allele origin: germline. Not counted in ClinVar's aggregate classification.